The following is an entry in ClinVar:

ClinVar aggregate classification (germline): Benign/Likely benign. Review status: criteria provided, multiple submitters, no conflicts (2 of 4 stars). 2 submissions from 2 submitters: Benign (1); Likely benign (1). Last evaluated 2025-12-23.

Allele frequency attached by ClinVar (database versions not stated): ExAC 0.00012; gnomAD exomes 0.00012; 1000 Genomes Project 0.00020; 1000 Genomes Project 30x 0.00031; ESP Exome Variant Server 0.00031; gnomAD 0.00056 and 0.00063; TOPMed 0.00061.
gnomAD v4.1: 160 of 1,604,368 alleles (0.01%); highest among the groups gnomAD compares: African/African-American, 0.2%; no homozygotes.

Submissions (2):

Labcorp Genetics (formerly Invitae), Labcorp
Classification: Benign. Last evaluated: 2025-12-23. Review status: criteria provided, single submitter. Criteria: Invitae Variant Classification Sherloc (09022015). Collection method: clinical testing. Allele origin: germline.

GeneDx
Classification: Likely benign. Last evaluated: 2018-01-04. Review status: criteria provided, single submitter. Criteria: GeneDx Variant Classification (06012015). Collection method: clinical testing. Allele origin: germline. Affected: yes.
Comment: This variant is considered likely benign or benign based on one or more of the following criteria: it is a conservative change, it occurs at a poorly conserved position in the protein, it is predicted to be benign by multiple in silico algorithms, and/or has population frequency not consistent with disease.

NM_020117.11(LARS1):c.1231-14A>G

Gene: LARS1 (leucyl-tRNA synthetase 1; minus strand). Cytogenetic location: 5q32.
Variant type: single nucleotide variant.
Coding change: c.1231-14A>G on transcript NM_020117.11 (MANE Select); 14 bases into the intron before coding-DNA position 1231, A replaced by G.
Molecular consequence: intron variant.
Genome position (GRCh38, 1-based): chr5:146,153,241, T>C on the plus strand (A>G on the coding strand, the complement: LARS1 is on the minus strand). VCF-style: chr5-146153241-T-C. GRCh37 (hg19) VCF-style: chr5-145532804-T-C.
Other names: c.1069-14A>G (NM_001317965.2); c.1150-14A>G (NM_016460.4); c.1093-14A>G (NM_001317964.2).
Identifiers: ClinVar variation 517874 (VCV000517874.2), dbSNP rs199763272, ClinGen allele CA3489687.